The following is an entry in ClinVar:

ClinVar aggregate classification (germline): Uncertain significance (1 of 4 stars; one submission).

Submission:

Labcorp Genetics (formerly Invitae), Labcorp
Classification: Uncertain significance. Last evaluated: 2021-07-19. Review status: criteria provided, single submitter. Criteria: Invitae Variant Classification Sherloc (09022015). Collection method: clinical testing. Allele origin: germline.
Comment: In summary, the available evidence is currently insufficient to determine the role of this variant in disease. Therefore, it has been classified as a Variant of Uncertain Significance. Algorithms developed to predict the effect of missense changes on protein structure and function are either unavailable or do not agree on the potential impact of this missense change (SIFT: "Tolerated"; PolyPhen-2: "Possibly Damaging"; Align-GVGD: "Class C0"). This variant has not been reported in the literature in individuals affected with CABP2-related conditions. This variant is not present in population databases (ExAC no frequency). This sequence change replaces glutamic acid with alanine at codon 163 of the CABP2 protein (p.Glu163Ala). The glutamic acid residue is moderately conserved and there is a moderate physicochemical difference between glutamic acid and alanine.

NM_016366.3(CABP2):c.488A>C (p.Glu163Ala)

Gene: CABP2 (calcium binding protein 2; minus strand). Cytogenetic location: 11q13.2.
Variant type: single nucleotide variant.
Coding change: c.488A>C on transcript NM_016366.3 (MANE Select); coding-DNA position 488, A replaced by C.
Protein change: p.Glu163Ala; replaces glutamic acid 163 with alanine.
Molecular consequence: missense variant.
Genome position (GRCh38, 1-based): chr11:67,520,052, T>G on the plus strand (A>C on the coding strand, the complement: CABP2 is on the minus strand). VCF-style: chr11-67520052-T-G. GRCh37 (hg19) VCF-style: chr11-67287523-T-G.
Other names: c.506A>C, p.Glu169Ala (NM_001318496.2); short protein forms E163A, E169A.
Identifiers: ClinVar variation 1368650 (VCV001368650.8), dbSNP rs2134360075, ClinGen allele CA381513784.